The following is an entry in ClinVar:

ClinVar aggregate classification (germline): Uncertain significance (1 of 4 stars; one submission).

Conditions:
Lethal multiple pterygium syndrome (LMPS). Identifiers: Orphanet 33108, MedGen C1854678, MONDO:0009668, OMIM 253290.

Allele frequency attached by ClinVar (database versions not stated): gnomAD exomes 0.00001.

Submission:

Labcorp Genetics (formerly Invitae), Labcorp
Classification: Uncertain significance for Lethal multiple pterygium syndrome. Last evaluated: 2025-01-20. Review status: criteria provided, single submitter. Criteria: Invitae Variant Classification Sherloc (09022015). Collection method: clinical testing. Allele origin: germline.
Comment: This sequence change affects codon 334 of the CHRNA1 mRNA. It is a 'silent' change, meaning that it does not change the encoded amino acid sequence of the CHRNA1 protein. This variant also falls at the last nucleotide of exon 7, which is part of the consensus splice site for this exon. This variant is present in population databases (no rsID available, gnomAD 0.003%). This variant has not been reported in the literature in individuals affected with CHRNA1-related conditions. ClinVar contains an entry for this variant (Variation ID: 2875313). Variants that disrupt the consensus splice site are a relatively common cause of aberrant splicing (PMID: 17576681, 9536098). Algorithms developed to predict the effect of sequence changes on RNA splicing suggest that this variant may disrupt the consensus splice site. In summary, the available evidence is currently insufficient to determine the role of this variant in disease. Therefore, it has been classified as a Variant of Uncertain Significance.

Literature cited by the submitters: PubMed 17576681; PubMed 9536098.

NM_000079.4(CHRNA1):c.1002G>A (p.Lys334=)

Gene: CHRNA1 (cholinergic receptor nicotinic alpha 1 subunit; minus strand). Cytogenetic location: 2q31.1.
Variant type: single nucleotide variant.
Coding change: c.1002G>A on transcript NM_000079.4 (MANE Select); coding-DNA position 1002, G replaced by A.
Protein change: p.Lys334=; no amino-acid change (lysine 334 retained).
Molecular consequence: synonymous variant.
Genome position (GRCh38, 1-based): chr2:174,749,946, C>T on the plus strand (G>A on the coding strand, the complement: CHRNA1 is on the minus strand). VCF-style: chr2-174749946-C-T. GRCh37 (hg19) VCF-style: chr2-175614674-C-T.
Other names: c.1077G>A, p.Lys359= (NM_001039523.3).
Identifiers: ClinVar variation 2875313 (VCV002875313.3), dbSNP rs1185365082, ClinGen allele CA430021908.